The following is an entry in ClinVar:

NM_001205254.2(OCLN):c.6A>G (p.Ser2=)

Gene: OCLN (occludin; plus strand). Cytogenetic location: 5q13.2.
Variant type: single nucleotide variant.
Coding change: c.6A>G on transcript NM_001205254.2 (MANE Select); coding-DNA position 6, A replaced by G.
Protein change: p.Ser2=; no amino-acid change (serine 2 retained).
Molecular consequence: synonymous variant.
Genome position (GRCh38, 1-based): chr5:69,504,250, A>G. VCF-style: chr5-69504250-A-G. GRCh37 (hg19) VCF-style: chr5-68800077-A-G.
Other names: c.-69A>G (NM_001205255.2); c.6A>G, p.Ser2= (NM_001410743.1, NM_002538.4).
Identifiers: ClinVar variation 3772289 (VCV003772289.13).

ClinVar aggregate classification (germline): Likely benign (1 of 4 stars; one submission).

gnomAD v4.1: 14 of 1,609,118 alleles (0.00087%); highest among the groups gnomAD compares: Admixed American, 0.022%; 1 homozygote.

Submission:

CeGaT Center for Human Genetics Tuebingen
Classification: Likely benign. Last evaluated: 2025-01-01. Review status: criteria provided, single submitter. Criteria: CeGaT Center For Human Genetics Tuebingen Variant Classification Criteria Version 2. Collection method: clinical testing. Allele origin: germline. Affected: yes. Observed: 1 variant allele.
Comment: OCLN: BP4, BP7